The following is an entry in ClinVar:

NM_022081.6(HPS4):c.1386C>G (p.Pro462=)

Gene: HPS4 (HPS4 biogenesis of lysosomal organelles complex 3 subunit 2; minus strand). Cytogenetic location: 22q12.1.
Variant type: single nucleotide variant.
Coding change: c.1386C>G on transcript NM_022081.6 (MANE Select); coding-DNA position 1386, C replaced by G.
Protein change: p.Pro462=; no amino-acid change (proline 462 retained).
Molecular consequence: synonymous variant. On other transcripts: non-coding transcript variant (8).
Genome position (GRCh38, 1-based): chr22:26,464,244, G>C on the plus strand (C>G on the coding strand, the complement: HPS4 is on the minus strand). VCF-style: chr22-26464244-G-C. GRCh37 (hg19) VCF-style: chr22-26860210-G-C.
Other names: c.1440C>G, p.Pro480= (NM_001349900.2, NM_001349901.1); c.1386C>G, p.Pro462= (NM_001349902.1, NM_001349903.2, NM_001349904.2 and 4 more transcripts); c.1371C>G, p.Pro457= (NM_152841.2).
Identifiers: ClinVar variation 929878 (VCV000929878.5), dbSNP rs2087976511, ClinGen allele CA514164303.
Genomic context (GRCh38, chr22:26,464,244, plus strand): 5'-CTTGTTTCCTCTCTGTCCTGGATCTAAGCGAGGCAATAACAAGGGCCTGCGGGTCCTTCT[G>C]GGGAGAGGGTCTGCTCTGGGAATGGGGGCTTGGCTGCTATGGCCAGGATGGTCTTCGAGC-3'
Protein context (NP_071364.4, residues 452-472): QAPIPRADPL[Pro462=]RRTRRPLLLP

ClinVar aggregate classification (germline): Likely benign (1 of 4 stars; one submission).

Submission:

Laboratory for Molecular Medicine, Mass General Brigham Personalized Medicine
Classification: Likely benign. Last evaluated: 2021-10-01. Review status: criteria provided, single submitter. Criteria: ACMG Guidelines, 2015. Collection method: clinical testing. Allele origin: germline.
Comment: The p.Pro462Pro variant in HPS4 is classified as likely benign because it does not alter an amino acid residue, it is not located within the splice consensus sequence, and splice prediction algorithms do not predict a newly created splice site. ACMG/AMP Criteria applied: BP4, BP7.